The following is an entry in ClinVar:

ClinVar aggregate classification (germline): Uncertain significance. Review status: criteria provided, multiple submitters, no conflicts (2 of 4 stars). 4 submissions from 4 submitters: Uncertain significance (4). Last evaluated 2025-07-17.

Conditions:
Hereditary cancer-predisposing syndrome. Also called: Neoplastic Syndromes, Hereditary; Hereditary Cancer Syndrome; Tumor predisposition; Hereditary neoplastic syndrome. Identifiers: Orphanet 140162, MedGen C0027672, MeSH D009386, MONDO:0015356.
Ataxia-telangiectasia syndrome (AT). Also called: LOUIS-BAR SYNDROME; Cerebello-oculocutaneous telangiectasia; Immunodeficiency with ataxia telangiectasia; Ataxia-telangiectasia, complementation group D; AT, COMPLEMENTATION GROUP C; Ataxia-telangiectasia, complementation group E. Identifiers: Orphanet 100, MedGen C0004135, MONDO:0008840, OMIM 208900.

Submissions (4):

Ambry Genetics
Classification: Uncertain significance for Hereditary cancer-predisposing syndrome. Last evaluated: 2025-07-17. Review status: criteria provided, single submitter. Criteria: Ambry Variant Classification Scheme 2023. Collection method: clinical testing. Allele origin: germline.
Comment: The p.L2445P variant (also known as c.7334T>C), located in coding exon 49 of the ATM gene, results from a T to C substitution at nucleotide position 7334. The leucine at codon 2445 is replaced by proline, an amino acid with similar properties. This amino acid position is highly conserved in available vertebrate species. In addition, this alteration is predicted to be deleterious by in silico analysis. Based on the available evidence, the clinical significance of this variant remains unclear.

Labcorp Genetics (formerly Invitae), Labcorp
Classification: Uncertain significance for Ataxia-telangiectasia syndrome. Last evaluated: 2025-05-21. Review status: criteria provided, single submitter. Criteria: Invitae Variant Classification Sherloc (09022015). Collection method: clinical testing. Allele origin: germline.
Comment: This sequence change replaces leucine, which is neutral and non-polar, with proline, which is neutral and non-polar, at codon 2445 of the ATM protein (p.Leu2445Pro). This variant is not present in population databases (gnomAD no frequency). This variant has not been reported in the literature in individuals affected with ATM-related conditions. ClinVar contains an entry for this variant (Variation ID: 482599). Invitae Evidence Modeling of protein sequence and biophysical properties (such as structural, functional, and spatial information, amino acid conservation, physicochemical variation, residue mobility, and thermodynamic stability) has been performed for this missense variant. However, the output from this modeling did not meet the statistical confidence thresholds required to predict the impact of this variant on ATM protein function. In summary, the available evidence is currently insufficient to determine the role of this variant in disease. Therefore, it has been classified as a Variant of Uncertain Significance.

GeneDx
Classification: Uncertain significance. Last evaluated: 2024-10-23. Review status: criteria provided, single submitter. Criteria: GeneDx Variant Classification Process June 2021. Collection method: clinical testing. Allele origin: germline. Affected: yes.
Comment: Has not been previously published as pathogenic or benign to our knowledge; Not observed at significant frequency in large population cohorts (gnomAD); In silico analysis indicates that this missense variant does not alter protein structure/function; This variant is associated with the following publications: (PMID: 12697903, 23532176)

Color Diagnostics, LLC DBA Color Health
Classification: Uncertain significance for Hereditary cancer-predisposing syndrome. Last evaluated: 2022-12-13. Review status: criteria provided, single submitter. Criteria: ACMG Guidelines, 2015. Collection method: clinical testing. Allele origin: germline.
Comment: This missense variant replaces leucine with proline at codon 2445 of the ATM protein. Computational prediction suggests that this variant may have deleterious impact on protein structure and function (internally defined REVEL score threshold >= 0.7, PMID: 27666373). To our knowledge, functional studies have not been reported for this variant. This variant has not been reported in individuals affected with ATM-related disorders in the literature. This variant has not been identified in the general population by the Genome Aggregation Database (gnomAD). The available evidence is insufficient to determine the role of this variant in disease conclusively. Therefore, this variant is classified as a Variant of Uncertain Significance.

NM_000051.4(ATM):c.7334T>C (p.Leu2445Pro)

Genes: ATM (ATM serine/threonine kinase; plus strand), C11orf65 (chromosome 11 open reading frame 65; minus strand). Cytogenetic location: 11q22.3.
Variant type: single nucleotide variant.
Coding change: c.7334T>C on transcript NM_000051.4 (MANE Select); coding-DNA position 7334, T replaced by C.
Protein change: p.Leu2445Pro; replaces leucine 2445 with proline.
Molecular consequence: missense variant. On other transcripts: intron variant (2).
Genome position (GRCh38, 1-based): chr11:108,330,240, T>C. VCF-style: chr11-108330240-T-C. GRCh37 (hg19) VCF-style: chr11-108200967-T-C.
Other names: c.7334T>C, p.Leu2445Pro (NM_001351834.2); c.641-21169A>G (NM_001330368.2); c.*38+4980A>G (NM_001351110.2); short protein forms L2445P.
Identifiers: ClinVar variation 482599 (VCV000482599.12), dbSNP rs1555122992, ClinGen allele CA382559907.